The following is an entry in ClinVar:

NC_000017.10:g.(?_29527466)_(29530584_?)del

Gene: NF1 (neurofibromin 1; plus strand). Cytogenetic location: 17q11.2.
Variant type: Deletion.
Identifiers: ClinVar variation 3242915 (VCV003242915.1).

ClinVar aggregate classification (germline): Pathogenic (1 of 4 stars; one submission).

Conditions:
Neurofibromatosis, type 1 (NF1). Also called: VON RECKLINGHAUSEN DISEASE; Neurofibromatosis, type I; Peripheral type neurofibromatosis; NEUROFIBROMATOSIS, TYPE I, SOMATIC. Identifiers: Orphanet 636, MedGen C0027831, MONDO:0018975, OMIM 162200. Disease mechanism: loss of function.

Submission:

Labcorp Genetics (formerly Invitae), Labcorp
Classification: Pathogenic for Neurofibromatosis, type 1. Last evaluated: 2023-02-20. Review status: criteria provided, single submitter. Criteria: Invitae Variant Classification Sherloc (09022015). Collection method: clinical testing. Allele origin: unknown.
Comment: This variant has not been reported in the literature in individuals affected with NF1-related conditions. This variant results in the deletion of exons 10-11 and part of exon 9 (c.915_1260+2081delins19) of the NF1 gene. It is expected to disrupt RNA splicing. Variants that disrupt the donor or acceptor splice site typically lead to a loss of protein function (PMID: 16199547), and loss-of-function variants in NF1 are known to be pathogenic (PMID: 10712197, 23913538). This variant disrupts a region of the NF1 protein in which other variant(s) (p.Leu357Pro) have been determined to be pathogenic (PMID: 10712197, 12566521, 19221814, 30530636). This suggests that this is a clinically significant region of the protein, and that variants that disrupt it are likely to be disease-causing. For these reasons, this variant has been classified as Pathogenic.

Literature cited by the submitters: PubMed 16199547; PubMed 10712197; PubMed 23913538; PubMed 12566521; PubMed 19221814; PubMed 30530636.